The following is an entry in ClinVar:

ClinVar aggregate classification (germline): Uncertain significance (1 of 4 stars; one submission).

Submission:

CeGaT Center for Human Genetics Tuebingen
Classification: Uncertain significance. Last evaluated: 2026-07-01. Review status: criteria provided, single submitter. Criteria: CeGaT Center For Human Genetics Tuebingen Variant Classification Criteria Version 2. Collection method: clinical testing. Allele origin: germline. Affected: yes. Observed: 1 variant allele.
Comment: POU3F2: PM2, PP3

NM_005604.4(POU3F2):c.20A>G (p.Asn7Ser)

Gene: POU3F2 (POU class 3 homeobox 2; plus strand). Cytogenetic location: 6q16.1.
Variant type: single nucleotide variant.
Coding change: c.20A>G on transcript NM_005604.4 (MANE Select); coding-DNA position 20, A replaced by G.
Protein change: p.Asn7Ser; replaces asparagine 7 with serine.
Molecular consequence: missense variant.
Genome position (GRCh38, 1-based): chr6:98,834,893, A>G. VCF-style: chr6-98834893-A-G. GRCh37 (hg19) VCF-style: chr6-99282769-A-G.
Other names: short protein forms N7S.
Identifiers: ClinVar variation 5040151 (VCV005040151.1).